The following is an entry in ClinVar:

NM_005901.6(SMAD2):c.336T>G (p.Asp112Glu)

Gene: SMAD2 (SMAD family member 2; minus strand). Cytogenetic location: 18q21.1.
Variant type: single nucleotide variant.
Coding change: c.336T>G on transcript NM_005901.6 (MANE Select); coding-DNA position 336, T replaced by G.
Protein change: p.Asp112Glu; replaces aspartic acid 112 with glutamic acid.
Molecular consequence: missense variant.
Genome position (GRCh38, 1-based): chr18:47,869,427, A>C on the plus strand (T>G on the coding strand, the complement: SMAD2 is on the minus strand). VCF-style: chr18-47869427-A-C. GRCh37 (hg19) VCF-style: chr18-45395798-A-C.
Other names: c.336T>G, p.Asp112Glu (NM_001003652.4); c.246T>G, p.Asp82Glu (NM_001135937.3); short protein forms D112E, D82E.
Identifiers: ClinVar variation 4765359 (VCV004765359.1).
Genomic context (GRCh38, chr18:47,869,427, plus strand): 5'-CCATAATCGGCAATATATAACATGTGGCAATCCTTTTCGATGGGATACCTGGAGACGACC[A>C]TCAAGAGACCTGTTGGGAAGCAAGGGGAAAAGAAAGGAGGGAACTTTAAAAAAAAAAAAA-3'
Protein context (NP_005892.1, residues 102-122): YSFSEQTRSL[Asp112Glu]GRLQVSHRKG

ClinVar aggregate classification (germline): Uncertain significance (1 of 4 stars; one submission).

Submission:

Labcorp Genetics (formerly Invitae), Labcorp
Classification: Uncertain significance. Last evaluated: 2025-08-06. Review status: criteria provided, single submitter. Criteria: Invitae Variant Classification Sherloc (09022015). Collection method: clinical testing. Allele origin: germline.
Comment: This sequence change replaces aspartic acid, which is acidic and polar, with glutamic acid, which is acidic and polar, at codon 112 of the SMAD2 protein (p.Asp112Glu). This variant is not present in population databases (gnomAD no frequency). This variant has not been reported in the literature in individuals affected with SMAD2-related conditions. Invitae Evidence Modeling of protein sequence and biophysical properties (such as structural, functional, and spatial information, amino acid conservation, physicochemical variation, residue mobility, and thermodynamic stability) indicates that this missense variant is not expected to disrupt SMAD2 protein function with a negative predictive value of 80%. In summary, the available evidence is currently insufficient to determine the role of this variant in disease. Therefore, it has been classified as a Variant of Uncertain Significance.